The following is an entry in ClinVar:

NM_004086.3(COCH):c.1576G>C (p.Glu526Gln)

Genes: COCH (cochlin; plus strand), COCH-AS1 (COCH antisense RNA 1; minus strand). Cytogenetic location: 14q12.
Variant type: single nucleotide variant.
Coding change: c.1576G>C on transcript NM_004086.3 (MANE Select); coding-DNA position 1576, G replaced by C.
Protein change: p.Glu526Gln; replaces glutamic acid 526 with glutamine.
Molecular consequence: missense variant. On other transcripts: non-coding transcript variant (1).
Genome position (GRCh38, 1-based): chr14:30,889,714, G>C. VCF-style: chr14-30889714-G-C. GRCh37 (hg19) VCF-style: chr14-31358920-G-C.
Other names: c.1576G>C, p.Glu526Gln (NM_001135058.2); c.1771G>C, p.Glu591Gln (NM_001347720.2); short protein forms E526Q, E591Q.
Identifiers: ClinVar variation 3695041 (VCV003695041.2).

ClinVar aggregate classification (germline): Uncertain significance (1 of 4 stars; one submission).

Submission:

Labcorp Genetics (formerly Invitae), Labcorp
Classification: Uncertain significance. Last evaluated: 2025-01-30. Review status: criteria provided, single submitter. Criteria: Invitae Variant Classification Sherloc (09022015). Collection method: clinical testing. Allele origin: germline.
Comment: This sequence change replaces glutamic acid, which is acidic and polar, with glutamine, which is neutral and polar, at codon 526 of the COCH protein (p.Glu526Gln). This variant is not present in population databases (gnomAD no frequency). This variant has not been reported in the literature in individuals affected with COCH-related conditions. Invitae Evidence Modeling of protein sequence and biophysical properties (such as structural, functional, and spatial information, amino acid conservation, physicochemical variation, residue mobility, and thermodynamic stability) has been performed for this missense variant. However, the output from this modeling did not meet the statistical confidence thresholds required to predict the impact of this variant on COCH protein function. In summary, the available evidence is currently insufficient to determine the role of this variant in disease. Therefore, it has been classified as a Variant of Uncertain Significance.